The following continues an entry in ClinVar:

NM_000083.3(CLCN1):c.2680C>T (p.Arg894Ter)

Gene: CLCN1. ClinVar aggregate classification (germline): Pathogenic/Likely pathogenic. Pathogenic (39); Likely pathogenic (5).

Submissions 14 to 26 of 49:

Institute of Human Genetics, Heidelberg University
Classification: Likely pathogenic for Congenital myotonia, autosomal recessive form. Last evaluated: 2024-10-25. Review status: criteria provided, single submitter. Criteria: ACMG Guidelines, 2015. Collection method: clinical testing. Allele origin: unknown. Affected: yes.
Comment: PM2_supp, PVS1_mod, PS3, PS4_mod

Institute of Human Genetics Munich, TUM University Hospital
Classification: Pathogenic for Congenital myotonia, autosomal dominant form. Last evaluated: 2024-08-07. Review status: criteria provided, single submitter. Criteria: Classification criteria August 2017. Collection method: clinical testing. Allele origin: germline. Inheritance: Autosomal dominant inheritance. Affected: yes. Observed: 1 variant allele.

GeneDx
Classification: Pathogenic. Last evaluated: 2024-07-21. Review status: criteria provided, single submitter. Criteria: GeneDx Variant Classification Process June 2021. Collection method: clinical testing. Allele origin: germline. Affected: yes.
Comment: Published functional studies demonstrate a damaging effect; R894X destabilizes the protein, possibly leading to reduced expression, and greatly reduces chloride currents in vitro (PMID: 8533761, 17990293); Nonsense variant predicted to result in protein truncation, as the last 95 amino acids are lost, and other loss-of-function variants have been reported downstream in HGMD; This variant is associated with the following publications: (PMID: 22995991, 8845168, 10665666, 27142102, 27614575, 30824560, 32670189, 31216405, 7874130, 20301529, 25508133, 23739125, 18337100, 12661046, 8857733, 23097607, 11840191, 27296017, 28039888, 29424939, 34426522, 34008892, 33013670, 17990293, 38374194, 9576553, 32528171, 34106991, 33263785, 34418069, 35026467, 34529042, 37273706, 36628841, 36796140, 8533761, 15162127, 22197187)

Fulgent Genetics
Classification: Pathogenic for Congenital myotonia, autosomal dominant form; Congenital myotonia, autosomal recessive form. Last evaluated: 2024-06-22. Review status: criteria provided, single submitter. Criteria: ACMG Guidelines, 2015. Collection method: clinical testing. Allele origin: germline.

Clinical Omics and Informatics (COIN) Unit, Neuroscience Institute, University Of Cape Town
Classification: Pathogenic for Congenital myotonia, autosomal recessive form. Last evaluated: 2024-05-22. Review status: criteria provided, single submitter. Criteria: ACMG Guidelines, 2015. Collection method: research. Allele origin: germline. Inheritance: Autosomal recessive inheritance. Affected: yes. Observed: 1 variant allele, 1 compound heterozygote. Study: International Center for Genomic Medicine for Neuromuscular Disease (ICGNMD).
Comment: PM2_supporting: the highest population allele frequency in gnomAD v4.0 is 0.01660 (1.6%; 417/25122 alleles in European Finnish population, including 5 homozygous observations) and gnomAD v3.1.2 is 0.01564 (1.6%; 166/10612 alleles in European Finnish population, including 1 homozygous observation). The heterozygous carrier frequency in gnomAD is calculated to be 0.032, i.e. 1 in 31 individuals in Finnish European population). This carrier frequency is not inconsistent with the reported high frequency of AR myotonia congenital in Scandinavia viz. 7.3 per 100 000 in Northern Finland (PMID 9598722) and 9.4 per 100 000 in Northern Norway (PMID 11840191). PVS1_moderate: nonsense variant not predicted to undergo NMD (occurs in 3' most exon 23). Role of exon 23 in protein function is unknown. At least 3 other pathogenic LOF variants in exon 23 have been identified in patients with AR myotonia congenita. This variant removes <10% of the protein. PM3_verystrong: this variant has been found in a compound heterozygous state in multiple individuals with AR myotonia congenital (>4 points). PS4 met: this variant has been described in more than 10 unrelated probands with autosomal recessive myotonia congenita (both homozygous and compound heterozygous observations) (PMID 11184019). PS3 supporting: functional studies provide supportive evidence that the variant has a damaging effect on the gene or gene product. Sequencing funded by the International Centre for Genomic Medicine in Neuromuscular Diseases (ICGNMD).

Mayo Clinic Laboratories, Mayo Clinic
Classification: Pathogenic. Last evaluated: 2024-04-30. Review status: criteria provided, single submitter. Criteria: ACMG Guidelines, 2015. Collection method: clinical testing. Allele origin: germline. Observed: 3 variant alleles.
Comment: PP1, PP5, PM3, PS3, PS4, PVS1

Institute of Human Genetics, University of Leipzig Medical Center
Classification: Pathogenic for Congenital myotonia, autosomal dominant form. Last evaluated: 2023-09-26. Review status: criteria provided, single submitter. Criteria: ACMG Guidelines, 2015. Collection method: clinical testing. Allele origin: unknown. Inheritance: Autosomal dominant inheritance. Affected: yes.
Comment: Criteria applied: PM3_VSTR,PVS1_MOD,PS3_MOD

Department of Human Genetics, Hannover Medical School
Classification: Pathogenic for Congenital myotonia, autosomal dominant form. Last evaluated: 2023-08-25. Review status: criteria provided, single submitter. Criteria: ACMG Guidelines, 2015. Collection method: clinical testing. Allele origin: germline. Inheritance: Autosomal dominant inheritance. Affected: yes.

Victorian Clinical Genetics Services, Murdoch Childrens Research Institute
Classification: Pathogenic for Congenital myotonia, autosomal recessive form. Last evaluated: 2023-07-17. Review status: criteria provided, single submitter. Criteria: ACMG Guidelines, 2015. Collection method: clinical testing. Allele origin: germline. Inheritance: Autosomal recessive inheritance. Affected: yes.
Comment: Based on the classification scheme VCGS_Germline_v1.3.4, this variant is classified as Pathogenic. Following criteria are met: 0103 - Dominant negative and loss of function are known mechanisms of disease in this gene. There are no clear phenotype-genotype correlations, however loss of function is generally associated with autosomal recessive inheritance (PMIDs: 20301529, 32117024). (I) 0108 - This gene is associated with both recessive and dominant disease. Recessive myotonia congenita (MIM#255700, Becker disease) is more severe than dominant myotonia congenita (MIM#160800, Thomsen disease). At least twelve variants were reported to cause both diseases (PMIDs: 20301529, 32010054). (I) 0112 - The condition associated with this gene has incomplete penetrance. Incomplete penetrance has been suggested for pathogenic variants associated with autosomal dominant inheritance (PMIDs: 20301529, 32117024). (I) 0115 - Variants in this gene are known to have variable expressivity. Intrafamilial phenotypic variability has been reported (PMID: 20301529). (I) 0205 - Variant is predicted to result in a truncated protein (premature termination codon is NOT located at least 54 nucleotides upstream of the final exon-exon junction) with less than 1/3 of the protein sequence affected. (SP) 0251 - This variant is heterozygous. (I) 0305 - Variant is present in gnomAD (v2) >=0.01 and <0.03 (874 heterozygotes, 9 homozygotes). (I) 0703 - Other premature termination variants (PTVs) comparable to the one identified in this case have moderate previous evidence for pathogenicity. At least three PTVs downstream have been reported as likely pathogenic/pathogenic or in affected individuals (ClinVar, PMID: 33263785). (SP) 0801 - This variant has strong previous evidence of pathogenicity in unrelated individuals. It has been reported as pathogenic in many individuals with myotonia, with autosomal recessive and autosomal dominant inheritance (ClinVar, PMIDs: 33263785, 34418069, 32670189, 32010054, 33013670, 23893571). It has also been reported as heterozygous in unaffected individuals. (SP) 1002 - This variant has moderate functional evidence supporting abnormal protein function. In vitro studies using L6 myotubes and rat myofibers showed protein with the variant was exported normally from ER but was unstable (PMID: 17990293). An earlier study showed the variant resulted in a large reduction, but not complete abolition of chloride conductance in Xenopus oocytes (PMID: 8533761). (SP) 1208 - Inheritance information for this variant is not currently available in this individual. (I) Legend: (SP) - Supporting pathogenic, (I) - Information, (SB) - Supporting benign

Athena Diagnostics
Classification: Pathogenic. Last evaluated: 2023-07-05. Review status: criteria provided, single submitter. Criteria: Athena Diagnostics Criteria. Collection method: clinical testing. Allele origin: unknown.
Comment: This variant is expected to result in the loss of a functional protein. This variant is one of the most common pathogenic variants identified in myotonia congenita patients worldwide (PMID: 20301529, 11840191) and is statistically more frequent in affected individuals than in the general population and/or healthy controls (Genome Aggregation Database (gnomAD), Cambridge, MA (URL)). This variant is reported in the literature to segregate recessively in most families; however, cases of dominant segregation are also reported (PMID: 20301529, 11840191, 15162127, 7874130). Assessment of experimental evidence suggests this variant results in abnormal protein function. (PMID: 8533761, 17107341). In multiple individuals, this variant has been seen with a single recessive pathogenic variant in the same gene, suggesting this variant may also be pathogenic.

Department of Pathology and Laboratory Medicine, Sinai Health System
Classification: Pathogenic for Congenital myotonia, autosomal dominant form; Congenital myotonia, autosomal recessive form. Last evaluated: 2023-05-23. Review status: criteria provided, single submitter. Criteria: ACMG Guidelines, 2015. Collection method: research. Allele origin: germline.

MGZ Medical Genetics Center
Classification: Pathogenic for Congenital myotonia, autosomal dominant form. Last evaluated: 2022-07-28. Review status: criteria provided, single submitter. Criteria: ACMG Guidelines, 2015. Collection method: clinical testing. Allele origin: germline. Affected: yes. Observed: 12 variant alleles.
Comment: ACMG criteria applied: PVS1, PS3, PM3, PP1

Clinical Genetics Laboratory, Skane University Hospital Lund
Classification: Pathogenic. Last evaluated: 2022-07-13. Review status: criteria provided, single submitter. Criteria: ACMG Guidelines, 2015. Collection method: clinical testing. Allele origin: germline. Affected: yes.